The following is an entry in ClinVar:

NM_005035.4(POLRMT):c.2018C>T (p.Thr673Met)

Gene: POLRMT (RNA polymerase mitochondrial; minus strand). Cytogenetic location: 19p13.3.
Variant type: single nucleotide variant.
Coding change: c.2018C>T on transcript NM_005035.4 (MANE Select); coding-DNA position 2018, C replaced by T.
Protein change: p.Thr673Met; replaces threonine 673 with methionine.
Molecular consequence: missense variant.
Genome position (GRCh38, 1-based): chr19:621,680, G>A on the plus strand (C>T on the coding strand, the complement: POLRMT is on the minus strand). VCF-style: chr19-621680-G-A. GRCh37 (hg19) VCF-style: chr19-621680-G-A.
Other names: c.2018C>T, p.Thr673Met (NM_001407805.1, NM_001407808.1, NM_001407812.1 and 4 more transcripts); c.2009C>T, p.Thr670Met (NM_001407806.1, NM_001407809.1); c.2006C>T, p.Thr669Met (NM_001407807.1, NM_001407810.1); c.1976C>T, p.Thr659Met (NM_001407811.1, NM_001407813.1); c.1793C>T, p.Thr598Met (NM_001407830.1, NM_001407832.1); c.1694C>T, p.Thr565Met (NM_001407831.1, NM_001407833.1, NM_001407835.1 and 1 more transcripts); c.1685C>T, p.Thr562Met (NM_001407834.1); short protein forms T659M, T562M, T669M, T670M, T565M, T673M, T598M.
Identifiers: ClinVar variation 2390848 (VCV002390848.3), dbSNP rs1304580366, ClinGen allele CA402900527.

ClinVar aggregate classification (germline): Uncertain significance. Review status: criteria provided, multiple submitters, no conflicts (2 of 4 stars). 2 submissions from 2 submitters: Uncertain significance (2). Last evaluated 2026-01-09.

Conditions:
POLRMT-related disorder. Also called: POLRMT-related condition.

Allele frequency attached by ClinVar (database versions not stated): gnomAD exomes below 0.00001; gnomAD 0.00001.
gnomAD v4.1: 5 of 1,570,792 alleles (0.00032%); highest among the groups gnomAD compares: Admixed American, 0.0018%; no homozygotes.

Submissions (2):

PreventionGenetics, part of Exact Sciences
Classification: Uncertain significance for POLRMT-related condition. Last evaluated: 2026-01-09. Review status: criteria provided, single submitter. Criteria: ACMG Guidelines, 2015. Collection method: clinical testing. Allele origin: germline.
Comment: The POLRMT c.2018C>T variant is predicted to result in the amino acid substitution p.Thr673Met. To our knowledge, this variant has not been reported in the literature. This variant is reported in 0.0031% of alleles in individuals of Latino descent in gnomAD. At this time, the clinical significance of this variant is uncertain due to the absence of conclusive functional and genetic evidence.

Ambry Genetics
Classification: Uncertain significance. Last evaluated: 2024-02-13. Review status: criteria provided, single submitter. Criteria: Ambry Variant Classification Scheme 2023. Collection method: clinical testing. Allele origin: germline.